The following is an entry in ClinVar:

NM_000257.4(MYH7):c.5656-4G>A

Gene: MYH7 (myosin heavy chain 7; minus strand). Cytogenetic location: 14q11.2.
Variant type: single nucleotide variant.
Coding change: c.5656-4G>A on transcript NM_000257.4 (MANE Select); 4 bases into the intron before coding-DNA position 5656, G replaced by A.
Molecular consequence: intron variant.
Genome position (GRCh38, 1-based): chr14:23,413,897, C>T on the plus strand (G>A on the coding strand, the complement: MYH7 is on the minus strand). VCF-style: chr14-23413897-C-T. GRCh37 (hg19) VCF-style: chr14-23883106-C-T.
Other names: c.5656-4G>A (LRG_384t1).
Identifiers: ClinVar variation 516360 (VCV000516360.22), dbSNP rs397516250, ClinGen allele CA047894.

ClinVar aggregate classification (germline): Benign/Likely benign. Review status: criteria provided, multiple submitters, no conflicts (2 of 4 stars). 10 submissions from 10 submitters: Benign (1); Likely benign (8). 1 of the submissions does not count toward it. Last evaluated 2025-04-09.

Conditions:
MYH7-related disorder. Also called: MYH7-related disorders; MYH7-related condition; MYH7-related disease.
Cardiovascular phenotype. Identifiers: MedGen CN230736.
Cardiomyopathy (CMYO). Also called: Cardiomyopathies. Identifiers: Orphanet 167848, MedGen C0878544, MONDO:0004994, HP:0001638. Inheritance: Various modes of inheritance.
Hypertrophic cardiomyopathy. Also called: HYPERTROPHIC MYOCARDIOPATHY. Identifiers: Orphanet 217569, MedGen C0007194, MeSH D002312, MONDO:0005045, HP:0001639.
Myopathy, myosin storage, autosomal recessive (CMYO7B). Also called: CONGENITAL MYOPATHY 7B, MYOSIN STORAGE, AUTOSOMAL RECESSIVE. Identifiers: Orphanet 636970, MedGen C1850709, MONDO:0009708, OMIM 255160.
Myosin storage myopathy (CMYO7A). Also called: MYOPATHY WITH LYSIS OF TYPE I MYOFIBRILS; Scapuloperoneal myopathy, MYH7-related; SCAPULOPERONEAL MUSCULAR DYSTROPHY; SCAPULOPERONEAL SYNDROME, MYOPATHIC TYPE; MYH7-related late-onset scapuloperoneal muscular dystrophy; Congenital myopathy 7A, myosin storage, autosomal dominant. Identifiers: Orphanet 437572, Orphanet 636965, MedGen C1842160, MONDO:0008409, OMIM 608358.
Dilated cardiomyopathy 1S (CMD1S). Identifiers: Orphanet 154, Orphanet 54260, MedGen C1834481, MONDO:0013262, OMIM 613426.
MYH7-related skeletal myopathy. Also called: Myopathy, distal, 1; MYOPATHY, DISTAL, EARLY-ONSET, AUTOSOMAL DOMINANT; MYOPATHY, LATE DISTAL HEREDITARY; Laing distal myopathy; Laing early-onset distal myopathy. Identifiers: Orphanet 59135, MedGen C4552004, MONDO:0008050, OMIM 160500.
Hypertrophic cardiomyopathy 1 (CMH1). Also called: Familial hypertrophic cardiomyopathy 1; MYH7-Related Familial Hypertrophic Cardiomyopathy. Identifiers: MedGen C3495498, MONDO:0008647, OMIM 192600.
Congenital myopathy with fiber type disproportion. Also called: Congenital fiber-type disproportion; Congenital fiber-type disproportion myopathy. Identifiers: Orphanet 2020, MedGen C0546264, MONDO:0009711. Inheritance: all.

Allele frequency attached by ClinVar (database versions not stated): ExAC 0.00004; gnomAD exomes 0.00006; TOPMed 0.00008; gnomAD 0.00011.
gnomAD v4.1: 80 of 1,614,094 alleles (0.005%); highest among the groups gnomAD compares: East Asian, 0.033%; no homozygotes.

Submissions (10):

Molecular Diagnostic Laboratory for Inherited Cardiovascular Disease, Montreal Heart Institute
Classification: Likely benign. Last evaluated: 2025-04-09. Review status: criteria provided, single submitter. Criteria: ACMG Guidelines, 2015. Collection method: clinical testing. Allele origin: germline. Affected: no.
Comment: BS1

Labcorp Genetics (formerly Invitae), Labcorp
Classification: Likely benign for Hypertrophic cardiomyopathy. Last evaluated: 2025-03-08. Review status: criteria provided, single submitter. Criteria: Invitae Variant Classification Sherloc (09022015). Collection method: clinical testing. Allele origin: germline.

Ambry Genetics
Classification: Benign for Cardiovascular phenotype. Last evaluated: 2025-02-20. Review status: criteria provided, single submitter. Criteria: Ambry Variant Classification Scheme 2023. Collection method: clinical testing. Allele origin: germline.

Women's Health and Genetics/Laboratory Corporation of America, LabCorp
Classification: Likely benign. Last evaluated: 2024-12-17. Review status: criteria provided, single submitter. Criteria: LabCorp Variant Classification Summary - May 2015. Collection method: clinical testing. Allele origin: germline.
Comment: Variant summary: MYH7 c.5656-4G>A alters a non-conserved nucleotide located close to a canonical splice site and therefore could affect mRNA splicing, leading to a significantly altered protein sequence. Consensus agreement among computation tools predict no significant impact on normal splicing. However, these predictions have yet to be confirmed by functional studies. The variant allele was found at a frequency of 6.4e-05 in 251402 control chromosomes. This frequency is not significantly higher than estimated for a pathogenic variant in MYH7 causing Hypertrophic Cardiomyopathy (6.4e-05 vs 0.0013), allowing no conclusion about variant significance. c.5656-4G>A has been reported in the presumed heterozygous state with or without other variants in the literature in individuals affected with clinical features of Hypertrophic Cardiomyopathy and or dilated cardiomyopathy (example, Jaaskelainen_2019, Lu_2018, Zhang_2024) without strong evidence for causality. These report(s) do not provide unequivocal conclusions about association of the variant with Hypertrophic Cardiomyopathy. Co-occurrences with other pathogenic variant(s) have been reported (MYH7 c.428G>A, p.Arg143Gln), providing supporting evidence for a benign role. To our knowledge, no experimental evidence demonstrating an impact on protein function has been reported. The following publications have been ascertained in the context of this evaluation (PMID: 30775854, 30165862, 37907184). ClinVar contains an entry for this variant (Variation ID: 516360). Based on the evidence outlined above, the variant was classified as likely benign.

All of Us Research Program, National Institutes of Health
Classification: Likely benign for Cardiomyopathy. Last evaluated: 2023-10-02. Review status: criteria provided, single submitter. Criteria: ACMG Guidelines, 2015. Collection method: clinical testing. Allele origin: germline. Inheritance: Autosomal dominant inheritance. Observed: 4 variant alleles, 4 heterozygotes.
Comment: This study involves interpretation of variants in research participants for the purpose of population health screening. Participant phenotype was not available at the time of variant classification. Additional details can be found in publication PMID: 35346344, PMCID: PMC8962531

Blueprint Genetics
Classification: Likely benign. Last evaluated: 2022-03-28. Review status: criteria provided, single submitter. Criteria: ACMG Guidelines, 2015. Collection method: clinical testing. Allele origin: germline.

Fulgent Genetics
Classification: Likely benign for MYH7-related skeletal myopathy; Myosin storage myopathy; Hypertrophic cardiomyopathy 1; Myopathy, myosin storage, autosomal recessive; Congenital myopathy 4A, autosomal dominant; Dilated cardiomyopathy 1S. Last evaluated: 2021-08-12. Review status: criteria provided, single submitter. Criteria: ACMG Guidelines, 2015. Collection method: clinical testing. Allele origin: unknown.

Color Diagnostics, LLC DBA Color Health
Classification: Likely benign for Cardiomyopathy. Last evaluated: 2018-05-12. Review status: criteria provided, single submitter. Criteria: ACMG Guidelines, 2015. Collection method: clinical testing. Allele origin: germline.

GeneDx
Classification: Likely benign. Last evaluated: 2018-01-12. Review status: criteria provided, single submitter. Criteria: GeneDx Variant Classification (06012015). Collection method: clinical testing. Allele origin: germline. Affected: yes.
Comment: This variant is considered likely benign or benign based on one or more of the following criteria: it is a conservative change, it occurs at a poorly conserved position in the protein, it is predicted to be benign by multiple in silico algorithms, and/or has population frequency not consistent with disease.

PreventionGenetics, part of Exact Sciences
Classification: Likely benign for MYH7-related condition. Last evaluated: 2022-06-22. Review status: no assertion criteria provided. Collection method: clinical testing. Allele origin: germline. Not counted in ClinVar's aggregate classification.
Comment: This variant is classified as likely benign based on ACMG/AMP sequence variant interpretation guidelines (Richards et al. 2015 PMID: 25741868, with internal and published modifications).

Literature cited by the submitters: PubMed 30775854 (cited by Women's Health and Genetics/Laboratory Corporation of America, LabCorp); PubMed 30165862 (cited by Women's Health and Genetics/Laboratory Corporation of America, LabCorp); PubMed 37907184 (cited by Women's Health and Genetics/Laboratory Corporation of America, LabCorp).